The following is an entry in ClinVar:

ClinVar aggregate classification (germline): Uncertain significance (1 of 4 stars; one submission).

Submission:

Labcorp Genetics (formerly Invitae), Labcorp
Classification: Uncertain significance. Last evaluated: 2022-02-25. Review status: criteria provided, single submitter. Criteria: Invitae Variant Classification Sherloc (09022015). Collection method: clinical testing. Allele origin: germline.
Comment: In summary, the available evidence is currently insufficient to determine the role of this variant in disease. Therefore, it has been classified as a Variant of Uncertain Significance. Advanced modeling of protein sequence and biophysical properties (such as structural, functional, and spatial information, amino acid conservation, physicochemical variation, residue mobility, and thermodynamic stability) performed at Invitae indicates that this missense variant is not expected to disrupt KMT2A protein function. This variant has not been reported in the literature in individuals affected with KMT2A-related conditions. This variant is not present in population databases (gnomAD no frequency). This sequence change replaces glutamine, which is neutral and polar, with histidine, which is basic and polar, at codon 900 of the KMT2A protein (p.Gln900His).

NM_001197104.2(KMT2A):c.2700G>T (p.Gln900His)

Gene: KMT2A (lysine methyltransferase 2A; plus strand). Cytogenetic location: 11q23.3.
Variant type: single nucleotide variant.
Coding change: c.2700G>T on transcript NM_001197104.2 (MANE Select); coding-DNA position 2700, G replaced by T.
Protein change: p.Gln900His; replaces glutamine 900 with histidine.
Molecular consequence: missense variant.
Genome position (GRCh38, 1-based): chr11:118,473,859, G>T. VCF-style: chr11-118473859-G-T. GRCh37 (hg19) VCF-style: chr11-118344574-G-T.
Other names: c.2799G>T, p.Gln933His (NM_001412597.1); c.2700G>T, p.Gln900His (NM_005933.4); short protein forms Q933H, Q900H.
Identifiers: ClinVar variation 2103379 (VCV002103379.4), dbSNP rs1033324124, ClinGen allele CA229522069.
Genomic context (GRCh38, chr11:118,473,859, plus strand): 5'-AGAAAAGGAGAATAAGCGGGAGTCAAGGAAAGAGAAAAGGAAAAAGGGATCAGAAATTCA[G>T]AGTAGTTCTGCTTTGTATCCTGTGGGTAGGGTTTCCAAAGAGAAGGTTGTTGGTGAAGAT-3'
Protein context (NP_001184033.1, residues 890-910): KEKRKKGSEI[Gln900His]SSSALYPVGR